The following is an entry in ClinVar:

NM_000153.4(GALC):c.328+2T>G

Gene: GALC (galactosylceramidase; minus strand). Cytogenetic location: 14q31.3.
Variant type: single nucleotide variant.
Coding change: c.328+2T>G on transcript NM_000153.4 (MANE Select); the canonical splice donor site of the intron after coding-DNA position 328, T replaced by G.
Molecular consequence: splice donor variant.
Genome position (GRCh38, 1-based): chr14:87,988,142, A>C on the plus strand (T>G on the coding strand, the complement: GALC is on the minus strand). VCF-style: chr14-87988142-A-C. GRCh37 (hg19) VCF-style: chr14-88454486-A-C.
Other names: c.160+2T>G (NM_001424071.1, NM_001424072.1, NM_001424073.1); c.-21+2T>G (NM_001424074.1); c.-340+2T>G (NM_001424076.1, NM_001424077.1); c.250+2T>G (NM_001201402.2); c.259+2T>G (NM_001201401.2); c.-109+2T>G (NM_001424075.1).
Identifiers: ClinVar variation 4086195 (VCV004086195.2).

ClinVar aggregate classification (germline): Pathogenic/Likely pathogenic. Review status: criteria provided, multiple submitters, no conflicts (2 of 4 stars). 2 submissions from 2 submitters: Pathogenic (1); Likely pathogenic (1). Last evaluated 2025-09-30.

Conditions:
Galactosylceramide beta-galactosidase deficiency. Also called: GALACTOCEREBROSIDASE DEFICIENCY; GALC DEFICIENCY; GLOBOID CELL LEUKOENCEPHALOPATHY; Leukodystrophy, Globoid Cell; Krabbe Disease. Identifiers: Orphanet 487, MedGen C0023521, MONDO:0009499, OMIM 245200.

Submissions (2):

Women's Health and Genetics/Laboratory Corporation of America, LabCorp
Classification: Pathogenic for Galactosylceramide beta-galactosidase deficiency. Last evaluated: 2025-09-30. Review status: criteria provided, single submitter. Criteria: LabCorp Variant Classification Summary - May 2015. Collection method: clinical testing. Allele origin: germline.
Comment: Variant summary: GALC c.328+2T>G is located in a canonical splice-site and is predicted to affect mRNA splicing resulting in a significantly altered protein due to either exon skipping, shortening, or inclusion of intronic material. Variants that disrupt the consensus splice site are a relatively common cause of aberrant splicing and loss of GALC function. Several computational tools predict a significant impact on normal splicing: Three predict the variant abolishes a 5' splicing donor site. However, these predictions have yet to be confirmed by functional studies. The variant was absent in 249402 control chromosomes. To our knowledge, no occurrence of c.328+2T>G in individuals affected with GALC-related conditions and no experimental evidence demonstrating its impact on protein function have been reported. An alternate splice variant affecting the canonical splice donor site (c.328+1G>A) has been classified as Pathogenic in ClinVar. ClinVar contains an entry for this variant (Variation ID: 4086195). Based on the evidence outlined above, the variant was classified as pathogenic.

Neuberg Centre For Genomic Medicine, NCGM
Classification: Likely pathogenic for Galactosylceramide beta-galactosidase deficiency. Review status: criteria provided, single submitter. Criteria: ACMG Guidelines, 2015. Collection method: clinical testing. Allele origin: germline. Inheritance: Autosomal dominant inheritance. Affected: yes.